The following is an entry in ClinVar:

NM_001360.3(DHCR7):c.401_402del (p.Val134fs)

Gene: DHCR7 (7-dehydrocholesterol reductase; minus strand). Cytogenetic location: 11q13.4.
Variant type: Deletion.
Coding change: c.401_402del on transcript NM_001360.3 (MANE Select); coding-DNA positions 401 to 402, 2 bases deleted (TG; older notation c.401_402delTG).
Protein change: p.Val134fs; shifts the reading frame from valine 134.
Molecular consequence: frameshift variant.
Genome position (GRCh38, 1-based): chr11:71,442,273-71,442,274, CA deleted on the plus strand (TG on the coding strand, the reverse complement: DHCR7 is on the minus strand); deleting any 2 consecutive bases within chr11:71,442,273-71,442,275 gives the same sequence; the c. name uses the placement nearest the transcript's 3' end. VCF-style (leftmost placement, unchanged base first): chr11-71442272-TCA-T. GRCh37 (hg19) VCF-style: chr11-71153318-TCA-T.
Other names: c.401_402del, p.Val134fs (NM_001163817.2); short protein forms V134fs.
Identifiers: ClinVar variation 1725240 (VCV001725240.2), dbSNP rs2539231473, ClinGen allele CA2580085016.

ClinVar aggregate classification (germline): Likely pathogenic (1 of 4 stars; one submission).

Conditions:
Smith-Lemli-Opitz syndrome (SLOS). Also called: LETHAL ACRODYSGENITAL SYNDROME; POLYDACTYLY, SEX REVERSAL, RENAL HYPOPLASIA, AND UNILOBAR LUNG; RSH SYNDROME; RUTLEDGE LETHAL MULTIPLE CONGENITAL ANOMALY SYNDROME; 7-Dehydrocholesterol reductase deficiency. Identifiers: Orphanet 818, MedGen C0175694, MONDO:0010035, OMIM 270400.

Submission:

Myriad Genetics, Inc.
Classification: Likely pathogenic for Smith-Lemli-Opitz syndrome. Last evaluated: 2022-03-15. Review status: criteria provided, single submitter. Criteria: Myriad Women's Health Autosomal Recessive and X-Linked Classification Criteria (2021). Collection method: clinical testing. Allele origin: unknown.
Comment: NM_001360.2(DHCR7):c.401_402delTG(V134Dfs*92) is expected to be pathogenic in the context of Smith-Lemli-Opitz syndrome. This variant is predicted to lead to an abnormal or absent protein product due to the creation of a premature termination codon in DHCR7, a gene where loss-of-function variants are known to be pathogenic. Please note: this variant was assessed in the context of healthy population screening.